The following is an entry in ClinVar:

ClinVar aggregate classification (germline): not provided (0 of 4 stars; one submission).

Conditions:
Preeclampsia. Identifiers: Orphanet 275555, MedGen C0032914, MONDO:0005081, HP:0100602.

Submission:

Institute of Molecular and Cell Biology, University of Tartu
No classification provided. Condition: Preeclampsia. Review status: no classification provided. Collection method: case-control. Allele origin: unknown. Affected: yes. Study: Kasak2014.
Comment: The study aimed to determine the contribution of copy number variants in the genetic etiology of normal and complicated pregnancies. The samples represented (i) maternal blood DNA drawn from healthy pregnant women during 1st or 2nd trimester and (ii) maternal and paternal blood DNA drawn at term pregnancy cases representing normal and complicated gestations (severe preeclampsia, PE; gestational diabetes, GD; small-for-gestational age newborn, SGA; large-for-gestational age newborn, LGA). We performed CNV calling based on genome-wide genotyping dataset (Illumina HumanOmniExpress-24-v1 BeadChip) by applying three algorithms, QuantiSNP, GADA (Genome Alteration Detection Algorithm) and CNstream in parallel. The acquired CNV calls were merged with HD-CNV (Hotspot Detector for Copy Number Variants) program and only the CNVs predicted by at least two programs, were considered in subsequent analysis.

Literature cited by the submitters: PubMed 25666259.

NC_000015.9:g.23084443_23114374del

Gene: NIPA1 (NIPA magnesium transporter 1; plus strand). Cytogenetic location: 15q11.2.
Variant type: Deletion.
Identifiers: ClinVar variation 157329 (VCV000157329.2).